The following is an entry in ClinVar:

ClinVar aggregate classification (germline): Likely benign (0 of 4 stars; one submission).

Conditions:
DLGAP2-related disorder. Also called: DLGAP2-related condition.

Allele frequency attached by ClinVar (database versions not stated): gnomAD 0.00001; TOPMed 0.00001; ExAC 0.00002; gnomAD exomes 0.00002; ESP Exome Variant Server 0.00008.
gnomAD v4.1: 25 of 1,605,450 alleles (0.0016%); highest among the groups gnomAD compares: Non-Finnish European, 0.0021%; no homozygotes.

Submission:

PreventionGenetics, part of Exact Sciences
Classification: Likely benign for DLGAP2-related condition. Last evaluated: 2019-07-10. Review status: no assertion criteria provided. Collection method: clinical testing. Allele origin: germline.
Comment: This variant is classified as likely benign based on ACMG/AMP sequence variant interpretation guidelines (Richards et al. 2015 PMID: 25741868, with internal and published modifications).

NM_001346810.2(DLGAP2):c.1231-10C>G

Genes: DLGAP2 (DLG associated protein 2; plus strand), DLGAP2-AS1 (DLGAP2 antisense RNA 1; minus strand). Cytogenetic location: 8p23.3.
Variant type: single nucleotide variant.
Coding change: c.1231-10C>G on transcript NM_001346810.2 (MANE Select); 10 bases into the intron before coding-DNA position 1231, C replaced by G.
Molecular consequence: intron variant. On other transcripts: non-coding transcript variant (1).
Genome position (GRCh38, 1-based): chr8:1,565,673, C>G. VCF-style: chr8-1565673-C-G. GRCh37 (hg19) VCF-style: chr8-1513839-C-G.
Identifiers: ClinVar variation 3050278 (VCV003050278.2), dbSNP rs370722015, ClinGen allele CA4598392.